The following is an entry in ClinVar:

ClinVar aggregate classification (germline): Benign/Likely benign. Review status: criteria provided, multiple submitters, no conflicts (2 of 4 stars). 4 submissions from 4 submitters: Benign (1); Likely benign (2). 1 of the submissions does not count toward it. Last evaluated 2025-06-19.

Conditions:
Charcot-Marie-Tooth disease dominant intermediate E. Also called: CHARCOT-MARIE-TOOTH NEUROPATHY WITH FOCAL SEGMENTAL GLOMERULONEPHRITIS. Identifiers: Orphanet 93114, MedGen C4302667, MONDO:0013758, OMIM 614455.
Focal segmental glomerulosclerosis 5 (FSGS5). Identifiers: Orphanet 656, MedGen C2750475, MONDO:0013191, OMIM 613237.
INF2-related disorder. Also called: INF2-related condition.
Inborn genetic diseases. Identifiers: MedGen C0950123, MeSH D030342.
Focal segmental glomerulosclerosis (FSGS). Also called: Glomerulosclerosis, focal; Focal sclerosis with hyalinosis. Identifiers: MedGen C0017668, MONDO:0100313, HP:0000097. Disease mechanism: loss of function.

Allele frequency attached by ClinVar (database versions not stated): gnomAD 0.00006; gnomAD exomes 0.00011 and 0.00026; ExAC 0.00029.
gnomAD v4.1: 176 of 1,613,128 alleles (0.011%); highest among the groups gnomAD compares: South Asian, 0.18%; 2 homozygotes.

Submissions (4):

Labcorp Genetics (formerly Invitae), Labcorp
Classification: Benign for Charcot-Marie-Tooth disease dominant intermediate E; Focal segmental glomerulosclerosis 5. Last evaluated: 2025-06-19. Review status: criteria provided, single submitter. Criteria: Invitae Variant Classification Sherloc (09022015). Collection method: clinical testing. Allele origin: germline.

Ambry Genetics
Classification: Likely benign for Inborn genetic diseases. Last evaluated: 2024-11-15. Review status: criteria provided, single submitter. Criteria: Ambry Variant Classification Scheme 2023. Collection method: clinical testing. Allele origin: germline.

Genome Diagnostics Laboratory, The Hospital for Sick Children
Classification: Likely benign for Focal segmental glomerulosclerosis. Last evaluated: 2018-07-01. Review status: criteria provided, single submitter. Criteria: ACMG Guidelines, 2015. Collection method: clinical testing. Allele origin: germline.

PreventionGenetics, part of Exact Sciences
Classification: Likely benign for INF2-related condition. Last evaluated: 2019-05-07. Review status: no assertion criteria provided. Collection method: clinical testing. Allele origin: germline. Not counted in ClinVar's aggregate classification.
Comment: This variant is classified as likely benign based on ACMG/AMP sequence variant interpretation guidelines (Richards et al. 2015 PMID: 25741868, with internal and published modifications).

NM_022489.4(INF2):c.1929C>T (p.Ile643=)

Gene: INF2 (inverted formin 2; plus strand). Cytogenetic location: 14q32.33.
Variant type: single nucleotide variant.
Coding change: c.1929C>T on transcript NM_022489.4 (MANE Select); coding-DNA position 1929, C replaced by T.
Protein change: p.Ile643=; no amino-acid change (isoleucine 643 retained).
Molecular consequence: synonymous variant.
Genome position (GRCh38, 1-based): chr14:104,708,712, C>T. VCF-style: chr14-104708712-C-T. GRCh37 (hg19) VCF-style: chr14-105175049-C-T.
Other names: c.1929C>T, p.Ile643= (NM_001031714.4).
Identifiers: ClinVar variation 1169518 (VCV001169518.14), dbSNP rs756712490, ClinGen allele CA7372725.
Genomic context (GRCh38, chr14:104,708,712, plus strand): 5'-TGGGTGGGGGGTTTTCTAGATCACTTTCCTCGATGCCAAGAAGAGCCTGAACCTCAACAT[C>T]TTCCTGAAGCAATTTAAGTGGTGAGTGAGGGAGGTAGCCCCCATCCCAGGCCACGGAGCC-3'
Protein context (NP_071934.3, residues 633-653): LDAKKSLNLN[Ile643=]FLKQFKCSNE